The following is an entry in ClinVar:

NM_001903.5(CTNNA1):c.563del (p.Asn188fs)

Gene: CTNNA1 (catenin alpha 1; plus strand). Cytogenetic location: 5q31.2.
Variant type: Deletion.
Coding change: c.563del on transcript NM_001903.5 (MANE Select); coding-DNA position 563, one base deleted (A; older notation c.563delA).
Protein change: p.Asn188fs; shifts the reading frame from asparagine 188.
Molecular consequence: frameshift variant.
Genome position (GRCh38, 1-based): chr5:138,812,277, A deleted; the last of 2 consecutive A bases (chr5:138,812,276-138,812,277); deleting either gives the same sequence. VCF-style (leftmost placement, unchanged base first): chr5-138812275-GA-G. GRCh37 (hg19) VCF-style: chr5-138147964-GA-G.
Other names: c.563del, p.Asn188fs (NM_001290307.3, NM_001323982.2, NM_001323983.1 and 3 more transcripts); c.254del, p.Asn85fs (NM_001290309.3); c.194del, p.Asn65fs (NM_001290310.3); short protein forms N188fs, N65fs, N85fs.
Identifiers: ClinVar variation 2625481 (VCV002625481.3), dbSNP rs2532349261, ClinGen allele CA2582341649.
Genomic context (GRCh38, chr5:138,812,275, plus strand): 5'-TGGCAATGAACAAGACTTAGGAATCCAGTATAAAGCCCTAAAACCTGAAGTGGATAAGCT[GA>G]ACATTATGGCAGCCAAAAGACAACAGGTACAGTCATGATTTGGGGATATATTAAAGTTGT-3'

ClinVar aggregate classification (germline): Pathogenic (1 of 4 stars; one submission).

Conditions:
Hereditary cancer-predisposing syndrome. Also called: Tumor predisposition; Hereditary Cancer Syndrome; Hereditary neoplastic syndrome; Neoplastic Syndromes, Hereditary. Identifiers: Orphanet 140162, MedGen C0027672, MeSH D009386, MONDO:0015356.

Submission:

Ambry Genetics
Classification: Pathogenic for Hereditary cancer-predisposing syndrome. Last evaluated: 2025-07-15. Review status: criteria provided, single submitter. Criteria: Ambry Variant Classification Scheme 2023. Collection method: clinical testing. Allele origin: germline.
Comment: The c.563delA pathogenic mutation, located in coding exon 4 of the CTNNA1 gene, results from a deletion of one nucleotide at nucleotide position 563, causing a translational frameshift with a predicted alternate stop codon p.N188Tfs*11). This variant is considered to be rare based on population cohorts in the Genome Aggregation Database (gnomAD). This alteration is expected to result in loss of function by premature protein truncation or nonsense-mediated mRNA decay. As such, this alteration is interpreted as a disease-causing mutation.